The following is an entry in ClinVar:

NM_003482.4(KMT2D):c.14823_14825delinsTGTT (p.Leu4941fs)

Gene: KMT2D (lysine methyltransferase 2D; minus strand). Cytogenetic location: 12q13.12.
Variant type: Indel.
Coding change: c.14823_14825delinsTGTT on transcript NM_003482.4 (MANE Select); coding-DNA positions 14823 to 14825, GGC replaced by TGTT.
Protein change: p.Leu4941fs; shifts the reading frame from leucine 4941.
Molecular consequence: frameshift variant.
Genome position (GRCh38, 1-based): chr12:49,027,141-49,027,143, GCC replaced by AACA on the plus strand (GGC replaced by TGTT on the coding strand, the reverse complement: KMT2D is on the minus strand). VCF-style: chr12-49027141-GCC-AACA. GRCh37 (hg19) VCF-style: chr12-49420924-GCC-AACA.
Other names: short protein forms L4941fs.
Identifiers: ClinVar variation 643443 (VCV000643443.5), dbSNP rs1592106640, ClinGen allele CA915948271.

ClinVar aggregate classification (germline): Pathogenic (1 of 4 stars; one submission).

Conditions:
Kabuki syndrome. Also called: NIIKAWA-KUROKI SYNDROME; Kabuki make-up syndrome. Identifiers: Orphanet 2322, MedGen C0796004, MONDO:0016512.

Submission:

Labcorp Genetics (formerly Invitae), Labcorp
Classification: Pathogenic for Kabuki syndrome. Last evaluated: 2018-12-21. Review status: criteria provided, single submitter. Criteria: Invitae Variant Classification Sherloc (09022015). Collection method: clinical testing. Allele origin: germline.
Comment: This sequence change creates a premature translational stop signal (p.Leu4941Phefs*3) in the KMT2D gene. It is expected to result in an absent or disrupted protein product. For these reasons, this variant has been classified as Pathogenic. Loss-of-function variants in KMT2D are known to be pathogenic (PMID: 22126750). This variant has not been reported in the literature in individuals with KMT2D-related conditions. This variant is not present in population databases (ExAC no frequency).

Literature cited by the submitters: PubMed 22126750.